The following is an entry in ClinVar:

ClinVar aggregate classification (germline): Uncertain significance (1 of 4 stars; one submission).

Conditions:
Dyskeratosis congenita. Identifiers: Orphanet 1775, MedGen C0265965, MONDO:0015780.

Allele frequency attached by ClinVar (database versions not stated): gnomAD 0.00002.
gnomAD v4.1: 4 of 1,560,712 alleles (0.00026%); highest among the groups gnomAD compares: Admixed American, 0.0057%; no homozygotes.

Submission:

Ambry Genetics
Classification: Uncertain significance for Dyskeratosis congenita. Last evaluated: 2022-07-01. Review status: criteria provided, single submitter. Criteria: Ambry Variant Classification Scheme 2023. Collection method: clinical testing. Allele origin: germline.
Comment: The p.A305V variant (also known as c.914C>T), located in coding exon 2 of the TERT gene, results from a C to T substitution at nucleotide position 914. The alanine at codon 305 is replaced by valine, an amino acid with similar properties. This amino acid position is conserved. In addition, this alteration is predicted to be tolerated by in silico analysis. Since supporting evidence is limited at this time, the clinical significance of this alteration remains unclear.

NM_198253.3(TERT):c.914C>T (p.Ala305Val)

Gene: TERT (telomerase reverse transcriptase; minus strand). Cytogenetic location: 5p15.33.
Variant type: single nucleotide variant.
Coding change: c.914C>T on transcript NM_198253.3 (MANE Select); coding-DNA position 914, C replaced by T.
Protein change: p.Ala305Val; replaces alanine 305 with valine.
Molecular consequence: missense variant. On other transcripts: non-coding transcript variant (2).
Genome position (GRCh38, 1-based): chr5:1,293,972, G>A on the plus strand (C>T on the coding strand, the complement: TERT is on the minus strand). VCF-style: chr5-1293972-G-A. GRCh37 (hg19) VCF-style: chr5-1294087-G-A.
Other names: c.914C>T, p.Ala305Val (NM_001193376.3, NM_003219.1); short protein forms A305V.
Identifiers: ClinVar variation 1765964 (VCV001765964.2), dbSNP rs750129321, ClinGen allele CA3184890.